The following is an entry in ClinVar:

ClinVar aggregate classification (germline): Conflicting classifications of pathogenicity. Review status: criteria provided, conflicting classifications (1 of 4 stars). 3 submissions from 3 submitters: Uncertain significance (1); Likely benign (2). Last evaluated 2025-11-19.

Conditions:
POLD1-related polyposis and colorectal cancer syndrome (CRCS10). Also called: Colorectal cancer, susceptibility to, 10; Colorectal cancer 10; COLORECTAL CANCER, SUSCEPTIBILITY TO, ON CHROMOSOME 19q. Identifiers: Orphanet 220460, MedGen C2675481, MONDO:0012953, OMIM 612591.
Hereditary cancer-predisposing syndrome. Also called: Hereditary neoplastic syndrome; Neoplastic Syndromes, Hereditary; Tumor predisposition; Hereditary Cancer Syndrome. Identifiers: Orphanet 140162, MedGen C0027672, MeSH D009386, MONDO:0015356.

Allele frequency attached by ClinVar (database versions not stated): gnomAD exomes below 0.00001; ExAC 0.00001; ESP Exome Variant Server 0.00008.

Submissions (3):

Labcorp Genetics (formerly Invitae), Labcorp
Classification: Likely benign for POLD1-related polyposis and colorectal cancer syndrome. Last evaluated: 2025-11-19. Review status: criteria provided, single submitter. Criteria: Invitae Variant Classification Sherloc (09022015). Collection method: clinical testing. Allele origin: germline.

Ambry Genetics
Classification: Likely benign for Hereditary cancer-predisposing syndrome. Last evaluated: 2024-04-10. Review status: criteria provided, single submitter. Criteria: Ambry Variant Classification Scheme 2023. Collection method: clinical testing. Allele origin: germline.

GeneDx
Classification: Uncertain significance. Last evaluated: 2024-03-28. Review status: criteria provided, single submitter. Criteria: GeneDx Variant Classification Process June 2021. Collection method: clinical testing. Allele origin: germline. Affected: yes.
Comment: Not observed at significant frequency in large population cohorts (gnomAD); In silico analysis supports that this variant does not alter splicing; Has not been previously published as pathogenic or benign to our knowledge

NM_002691.4(POLD1):c.2106C>A (p.Gly702=)

Gene: POLD1 (DNA polymerase delta 1, catalytic subunit; plus strand). Cytogenetic location: 19q13.33.
Variant type: single nucleotide variant.
Coding change: c.2106C>A on transcript NM_002691.4 (MANE Select); coding-DNA position 2106, C replaced by A.
Protein change: p.Gly702=; no amino-acid change (glycine 702 retained).
Molecular consequence: synonymous variant. On other transcripts: non-coding transcript variant (1).
Genome position (GRCh38, 1-based): chr19:50,409,618, C>A. VCF-style: chr19-50409618-C-A. GRCh37 (hg19) VCF-style: chr19-50912875-C-A.
Other names: c.2106C>A, p.Gly702= (NM_001256849.1); c.2184C>A, p.Gly728= (NM_001308632.1); c.2106C>A (NM_002691.3, NM_002691.2).
Identifiers: ClinVar variation 1146160 (VCV001146160.11), dbSNP rs371818433, ClinGen allele CA9596387.
Genomic context (GRCh38, chr19:50,409,618, plus strand): 5'-GCGCCAGGTCCTGGATGGACGGCAGCTGGCGCTGAAGGTGAGCGCCAACTCCGTATACGG[C>A]TTCACTGGCGCCCAGGTGGGCAAGTTGCCGTGCCTGGAGATCTCACAGGTGGGCACTCGG-3'
Protein context (NP_002682.2, residues 692-712): ALKVSANSVY[Gly702=]FTGAQVGKLP